The following is an entry in ClinVar:

NM_005995.5(TBX10):c.269C>T (p.Ala90Val)

Gene: TBX10 (T-box transcription factor 10; minus strand). Cytogenetic location: 11q13.2.
Variant type: single nucleotide variant.
Coding change: c.269C>T on transcript NM_005995.5 (MANE Select); coding-DNA position 269, C replaced by T.
Protein change: p.Ala90Val; replaces alanine 90 with valine.
Molecular consequence: missense variant.
Genome position (GRCh38, 1-based): chr11:67,635,002, G>A on the plus strand (C>T on the coding strand, the complement: TBX10 is on the minus strand). VCF-style: chr11-67635002-G-A. GRCh37 (hg19) VCF-style: chr11-67402473-G-A.
Other names: short protein forms A90V.
Identifiers: ClinVar variation 3357681 (VCV003357681.1).

ClinVar aggregate classification (germline): Uncertain significance (0 of 4 stars; one submission).

Conditions:
TBX10-related disorder. Also called: TBX10-related condition.

gnomAD v4.1: 8 of 1,613,444 alleles (0.0005%); highest among the groups gnomAD compares: East Asian, 0.0089%; no homozygotes.

Submission:

PreventionGenetics, part of Exact Sciences
Classification: Uncertain significance for TBX10-related condition. Last evaluated: 2024-08-20. Review status: no assertion criteria provided. Collection method: clinical testing. Allele origin: germline.
Comment: The TBX10 c.269C>T variant is predicted to result in the amino acid substitution p.Ala90Val. To our knowledge, this variant has not been reported in the literature. This variant is reported in 0.0050% of alleles in individuals of East Asian descent in gnomAD. At this time, the clinical significance of this variant is uncertain due to the absence of conclusive functional and genetic evidence.